The following is an entry in ClinVar:

ClinVar aggregate classification (germline): Conflicting classifications of pathogenicity. Review status: criteria provided, conflicting classifications (1 of 4 stars). 2 submissions from 2 submitters: Uncertain significance (1); Likely benign (1). Last evaluated 2023-03-23.

Conditions:
Hereditary cancer-predisposing syndrome. Also called: Tumor predisposition; Hereditary Cancer Syndrome; Neoplastic Syndromes, Hereditary; Hereditary neoplastic syndrome. Identifiers: Orphanet 140162, MedGen C0027672, MeSH D009386, MONDO:0015356.

Submissions (2):

University of Washington Department of Laboratory Medicine, University of Washington
Classification: Likely benign for Hereditary cancer-predisposing syndrome. Last evaluated: 2023-03-23. Review status: criteria provided, single submitter. Criteria: Dines et al. (Genet Med. 2020). Collection method: curation. Allele origin: germline.
Comment: Missense variant in a coldspot region where missense variants are very unlikely to be pathogenic (PMID:31911673).

BRCA2 exon 10 coldspot. Reclassification based on statistical prior probability.

Color Diagnostics, LLC DBA Color Health
Classification: Uncertain significance for Hereditary cancer-predisposing syndrome. Last evaluated: 2021-02-03. Review status: criteria provided, single submitter. Criteria: ACMG Guidelines, 2015. Collection method: clinical testing. Allele origin: germline.
Comment: This missense variant replaces glutamine with histidine at codon 548 of the BRCA2 protein. Computational prediction suggests that this variant may not impact protein structure and function (internally defined REVEL score threshold <= 0.5, PMID: 27666373). To our knowledge, functional studies have not been reported for this variant. This variant has not been reported in individuals affected with hereditary cancer in the literature. This variant has not been identified in the general population by the Genome Aggregation Database (gnomAD). The available evidence is insufficient to determine the role of this variant in disease conclusively. Therefore, this variant is classified as a Variant of Uncertain Significance.

NM_000059.4(BRCA2):c.1644G>C (p.Gln548His)

Gene: BRCA2 (BRCA2 DNA repair associated; plus strand). Cytogenetic location: 13q13.1.
Variant type: single nucleotide variant.
Coding change: c.1644G>C on transcript NM_000059.4 (MANE Select); coding-DNA position 1644, G replaced by C.
Protein change: p.Gln548His; replaces glutamine 548 with histidine.
Molecular consequence: missense variant.
Genome position (GRCh38, 1-based): chr13:32,333,122, G>C. VCF-style: chr13-32333122-G-C. GRCh37 (hg19) VCF-style: chr13-32907259-G-C.
Other names: short protein forms Q548H.
Identifiers: ClinVar variation 1332519 (VCV001332519.4), dbSNP rs55986646, ClinGen allele CA387764976.